The following is an entry in ClinVar:

NM_001352027.3(PHF21A):c.1126_1127del (p.Val376fs)

Gene: PHF21A (PHD finger protein 21A; minus strand). Cytogenetic location: 11p11.2.
Variant type: Deletion.
Coding change: c.1126_1127del on transcript NM_001352027.3 (MANE Select); coding-DNA positions 1126 to 1127, 2 bases deleted (GT; older notation c.1126_1127delGT).
Protein change: p.Val376fs; shifts the reading frame from valine 376.
Molecular consequence: frameshift variant. On other transcripts: non-coding transcript variant (2).
Genome position (GRCh38, 1-based): chr11:45,950,226-45,950,227, AC deleted on the plus strand (GT on the coding strand, the reverse complement: PHF21A is on the minus strand). VCF-style (leftmost placement, unchanged base first): chr11-45950225-TAC-T. GRCh37 (hg19) VCF-style: chr11-45971776-TAC-T.
Other names: c.1123_1124del, p.Val375fs (NM_001101802.3, NM_001352030.3, NM_001352031.3 and 1 more transcripts); c.1126_1127del, p.Val376fs (NM_001352025.3, NM_001352026.3, NM_001352028.1 and 2 more transcripts); short protein forms V375fs, V376fs.
Identifiers: ClinVar variation 1071405 (VCV001071405.7), dbSNP rs2135484551, ClinGen allele CA473857480.
Genomic context (GRCh38, chr11:45,950,225, plus strand): 5'-GGGCCAGAAAAAAAGGCAGTGCCAAGAATATCTTCTCTTACCTTCTAGATGGTCATGTGT[TAC>T]CAACCCTAGAGACACCATGAAGGCAAGTTTCTGTGCCAGAGAAACAAAAGAAGAATATGC-3'

ClinVar aggregate classification (germline): Pathogenic (1 of 4 stars; one submission).

Submission:

Labcorp Genetics (formerly Invitae), Labcorp
Classification: Pathogenic. Last evaluated: 2020-04-26. Review status: criteria provided, single submitter. Criteria: Invitae Variant Classification Sherloc (09022015). Collection method: clinical testing. Allele origin: germline.
Comment: This variant is not present in population databases (ExAC no frequency). For these reasons, this variant has been classified as Pathogenic. Loss-of-function variants in PHF21A are known to be pathogenic (PMID: 30487643). This variant has not been reported in the literature in individuals with PHF21A-related conditions. This sequence change creates a premature translational stop signal (p.Val375Asnfs*3) in the PHF21A gene. It is expected to result in an absent or disrupted protein product.

Literature cited by the submitters: PubMed 30487643.